The following is an entry in ClinVar:

ClinVar aggregate classification (germline): Benign/Likely benign. Review status: criteria provided, multiple submitters, no conflicts (2 of 4 stars). 5 submissions from 5 submitters: Benign (1); Likely benign (4). Last evaluated 2026-07-09.

Conditions:
Rhabdoid tumor predisposition syndrome 2 (RTPS2). Identifiers: Orphanet 231108, Orphanet 69077, MedGen C2750074, MONDO:0013224, OMIM 613325.
Hereditary cancer-predisposing syndrome. Also called: Tumor predisposition; Neoplastic Syndromes, Hereditary; Hereditary Cancer Syndrome; Hereditary neoplastic syndrome. Identifiers: Orphanet 140162, MedGen C0027672, MeSH D009386, MONDO:0015356.

Allele frequency attached by ClinVar (database versions not stated): TOPMed 0.00002.
gnomAD v4.1: 9 of 1,543,408 alleles (0.00058%); highest among the groups gnomAD compares: East Asian, 0.0024%; no homozygotes.

Submissions (5):

Myriad Genetics, Inc.
Classification: Benign for Rhabdoid tumor predisposition syndrome 2. Last evaluated: 2026-07-09. Review status: criteria provided, single submitter. Criteria: Myriad Autosomal Dominant, Autosomal Recessive and X-Linked Classification Criteria (2023). Collection method: clinical testing. Allele origin: unknown.
Comment: This variant is considered benign. This variant is a silent/synonymous amino acid change and it is not expected to impact splicing.

Labcorp Genetics (formerly Invitae), Labcorp
Classification: Likely benign for Rhabdoid tumor predisposition syndrome 2. Last evaluated: 2026-01-13. Review status: criteria provided, single submitter. Criteria: Invitae Variant Classification Sherloc (09022015). Collection method: clinical testing. Allele origin: germline.

Blueprint Genetics
Classification: Likely benign. Last evaluated: 2023-03-24. Review status: criteria provided, single submitter. Criteria: ACMG Guidelines, 2015. Collection method: clinical testing. Allele origin: germline.

Sema4
Classification: Likely benign for Hereditary cancer-predisposing syndrome. Last evaluated: 2021-04-29. Review status: criteria provided, single submitter. Criteria: Sema4 Curation Guidelines. Collection method: curation. Allele origin: germline.

Ambry Genetics
Classification: Likely benign for Hereditary cancer-predisposing syndrome. Last evaluated: 2016-11-17. Review status: criteria provided, single submitter. Criteria: Ambry Variant Classification Scheme 2023. Collection method: clinical testing. Allele origin: germline.

NM_003072.5(SMARCA4):c.690C>G (p.Pro230=)

Gene: SMARCA4 (SWI/SNF related BAF chromatin remodeling complex subunit ATPase 4; plus strand). Cytogenetic location: 19p13.2.
Variant type: single nucleotide variant.
Coding change: c.690C>G on transcript NM_003072.5 (MANE Select); coding-DNA position 690, C replaced by G.
Protein change: p.Pro230=; no amino-acid change (proline 230 retained).
Molecular consequence: synonymous variant. On other transcripts: non-coding transcript variant (1).
Genome position (GRCh38, 1-based): chr19:10,986,523, C>G. VCF-style: chr19-10986523-C-G. GRCh37 (hg19) VCF-style: chr19-11097199-C-G.
Other names: c.690C>G, p.Pro230= (NM_001128844.3, NM_001128845.2, NM_001128846.2 and 5 more transcripts).
Identifiers: ClinVar variation 470449 (VCV000470449.19), dbSNP rs372941839, ClinGen allele CA505744075.
Genomic context (GRCh38, chr19:10,986,523, plus strand): 5'-GCCCGGGATGCAGCAGCAGATGCCAACGCTACCTCCACCCTCGGTGTCCGCAACAGGACC[C>G]GGCCCTGGCCCTGGCCCTGGCCCCGGCCCGGGTCCCGGCCCGGCACCTCCAAATTACAGC-3'
Protein context (NP_003063.2, residues 220-240): LPPPSVSATG[Pro230=]GPGPGPGPGP